The following is an entry in ClinVar:

ClinVar aggregate classification (germline): Uncertain significance. Review status: criteria provided, multiple submitters, no conflicts (2 of 4 stars). 2 submissions from 2 submitters: Uncertain significance (2). Last evaluated 2024-06-30.

Conditions:
Inborn genetic diseases. Identifiers: MedGen C0950123, MeSH D030342.

gnomAD v4.1: 17 of 1,568,344 alleles (0.0011%); highest among the groups gnomAD compares: Middle Eastern, 0.017%; no homozygotes.

Submissions (2):

Ambry Genetics
Classification: Uncertain significance for Inborn genetic diseases. Last evaluated: 2024-06-30. Review status: criteria provided, single submitter. Criteria: Ambry Variant Classification Scheme 2023. Collection method: clinical testing. Allele origin: germline.

GeneDx
Classification: Uncertain significance. Last evaluated: 2024-04-10. Review status: criteria provided, single submitter. Criteria: GeneDx Variant Classification Process June 2021. Collection method: clinical testing. Allele origin: germline. Affected: yes.
Comment: In silico analysis indicates that this missense variant does not alter protein structure/function; Has not been previously published as pathogenic or benign to our knowledge

NM_018896.5(CACNA1G):c.1634C>T (p.Ala545Val)

Gene: CACNA1G (calcium voltage-gated channel subunit alpha1 G; plus strand). Cytogenetic location: 17q21.33.
Variant type: single nucleotide variant.
Coding change: c.1634C>T on transcript NM_018896.5 (MANE Select); coding-DNA position 1634, C replaced by T.
Protein change: p.Ala545Val; replaces alanine 545 with valine.
Molecular consequence: missense variant. On other transcripts: non-coding transcript variant (5).
Genome position (GRCh38, 1-based): chr17:50,576,036, C>T. VCF-style: chr17-50576036-C-T. GRCh37 (hg19) VCF-style: chr17-48653397-C-T.
Other names: c.1634C>T, p.Ala545Val (NM_001256324.2, NM_001256325.2, NM_001256326.2 and 24 more transcripts); c.1634C>T (NM_018896.3); short protein forms A545V.
Identifiers: ClinVar variation 3371883 (VCV003371883.2).
Genomic context (GRCh38, chr17:50,576,036, plus strand): 5'-ATGCCAATGGGTCCCGCCGGCTCATGCTGCCACCACCCTCGACGCCTGCCCTCTCCGGGG[C>T]CCCCCCTGGTGGCGCAGAGTCTGTGCACAGCTTCTACCATGCCGACTGCCACTTAGAGCC-3'
Protein context (NP_061496.2, residues 535-555): PPPSTPALSG[Ala545Val]PPGGAESVHS